The following is an entry in ClinVar:

ClinVar aggregate classification (germline): Pathogenic (1 of 4 stars; one submission).

Submission:

Labcorp Genetics (formerly Invitae), Labcorp
Classification: Pathogenic. Last evaluated: 2019-05-04. Review status: criteria provided, single submitter. Criteria: Invitae Variant Classification Sherloc (09022015). Collection method: clinical testing. Allele origin: germline.
Comment: This sequence change creates a premature translational stop signal (p.Asn2616Lysfs*27) in the CDH23 gene. It is expected to result in an absent or disrupted protein product. This variant is not present in population databases (ExAC no frequency). This variant has not been reported in the literature in individuals with CDH23-related conditions. Loss-of-function variants in CDH23 are known to be pathogenic (PMID: 11138009, 21940737). For these reasons, this variant has been classified as Pathogenic.

Literature cited by the submitters: PubMed 11138009; PubMed 21940737.

NM_022124.6(CDH23):c.7847dup (p.Asn2616fs)

Gene: CDH23 (cadherin related 23; plus strand). Cytogenetic location: 10q22.1.
Variant type: Duplication.
Coding change: c.7847dup on transcript NM_022124.6 (MANE Select); coding-DNA position 7847, one base duplicated (A; older notation c.7847dupA).
Protein change: p.Asn2616fs; shifts the reading frame from asparagine 2616.
Molecular consequence: frameshift variant.
Genome position (GRCh38, 1-based): chr10:71,803,395, A duplicated; the last of 2 consecutive A bases (chr10:71,803,394-71,803,395); duplicating either gives the same sequence. VCF-style (leftmost placement, unchanged base first): chr10-71803393-C-CA. GRCh37 (hg19) VCF-style: chr10-73563150-C-CA.
Other names: c.1127dup, p.Asn376fs (NM_001171933.1, NM_001171934.1); short protein forms N2616fs, N376fs.
Identifiers: ClinVar variation 950923 (VCV000950923.7), dbSNP rs1841616050, ClinGen allele CA1139661506.